The following is an entry in ClinVar:

NM_000038.6(APC):c.6733C>A (p.Pro2245Thr)

Gene: APC (APC regulator of Wnt signaling pathway; plus strand). Cytogenetic location: 5q22.2.
Variant type: single nucleotide variant.
Coding change: c.6733C>A on transcript NM_000038.6 (MANE Select); coding-DNA position 6733, C replaced by A.
Protein change: p.Pro2245Thr; replaces proline 2245 with threonine.
Molecular consequence: missense variant. On other transcripts: non-coding transcript variant (2).
Genome position (GRCh38, 1-based): chr5:112,842,327, C>A. VCF-style: chr5-112842327-C-A. GRCh37 (hg19) VCF-style: chr5-112178024-C-A.
Other names: c.6733C>A, p.Pro2245Thr (NM_001127510.3, NM_001354895.2, NM_001407450.1); c.6679C>A, p.Pro2227Thr (NM_001127511.3); c.6787C>A, p.Pro2263Thr (NM_001354896.2, NM_001407447.1, NM_001407448.1 and 1 more transcripts); c.6763C>A, p.Pro2255Thr (NM_001354897.2); c.6658C>A, p.Pro2220Thr (NM_001354898.2); c.6649C>A, p.Pro2217Thr (NM_001354899.2); c.6610C>A, p.Pro2204Thr (NM_001354900.2); c.6556C>A, p.Pro2186Thr (NM_001354901.2, NM_001407453.1); and 11 more; short protein forms P1962T, P2154T, P2217T, P2235T, P2119T, P2144T, P2162T, P2186T.
Identifiers: ClinVar variation 2736914 (VCV002736914.3), dbSNP rs1766286888, ClinGen allele CA16036045.
Genomic context (GRCh38, chr5:112,842,327, plus strand): 5'-TCTCGAGGCAGGACAATGATTCATATTCCAGGAGTTCGAAATAGCTCCTCAAGTACAAGT[C>A]CTGTTTCTAAAAAAGGCCCACCCCTTAAGACTCCAGCCTCCAAAAGCCCTAGTGAAGGTC-3'
Protein context (NP_000029.2, residues 2235-2255): GVRNSSSSTS[Pro2245Thr]VSKKGPPLKT

ClinVar aggregate classification (germline): Uncertain significance (1 of 4 stars; one submission).

Conditions:
Familial adenomatous polyposis 1 (FAP1). Also called: POLYPOSIS, ADENOMATOUS INTESTINAL; FAMILIAL ADENOMATOUS POLYPOSIS 1, ATTENUATED. Identifiers: MedGen C2713442, MONDO:0021056, OMIM 175100. Disease mechanism: loss of function.

Submission:

Labcorp Genetics (formerly Invitae), Labcorp
Classification: Uncertain significance for Familial adenomatous polyposis 1. Last evaluated: 2023-07-07. Review status: criteria provided, single submitter. Criteria: Invitae Variant Classification Sherloc (09022015). Collection method: clinical testing. Allele origin: germline.
Comment: In summary, the available evidence is currently insufficient to determine the role of this variant in disease. Therefore, it has been classified as a Variant of Uncertain Significance. This sequence change replaces proline, which is neutral and non-polar, with threonine, which is neutral and polar, at codon 2245 of the APC protein (p.Pro2245Thr). This variant is not present in population databases (gnomAD no frequency). This variant has not been reported in the literature in individuals affected with APC-related conditions. Advanced modeling of protein sequence and biophysical properties (such as structural, functional, and spatial information, amino acid conservation, physicochemical variation, residue mobility, and thermodynamic stability) performed at Invitae indicates that this missense variant is not expected to disrupt APC protein function.